The following is an entry in ClinVar:

NM_002382.5(MAX):c.295+544C>T

Gene: MAX (MYC associated factor X; minus strand). Cytogenetic location: 14q23.3.
Variant type: single nucleotide variant.
Coding change: c.295+544C>T on transcript NM_002382.5 (MANE Select); 544 bases into the intron after coding-DNA position 295, C replaced by T.
Molecular consequence: intron variant. On other transcripts: synonymous variant (6), 3 prime UTR variant (12), non-coding transcript variant (4).
Genome position (GRCh38, 1-based): chr14:65,077,369, G>A on the plus strand (C>T on the coding strand, the complement: MAX is on the minus strand). VCF-style: chr14-65077369-G-A. GRCh37 (hg19) VCF-style: chr14-65544087-G-A.
Other names: c.81C>T, p.Leu27= (NM_001320415.2, NM_001407105.1, NM_001407106.1 and 1 more transcripts); c.*43C>T (NM_001407096.1, NM_001407097.1, NM_001407099.1 and 9 more transcripts); c.69C>T, p.Leu23= (NM_001407111.1, NM_001407112.1); c.144+16339C>T (NM_001271069.2); c.171+16339C>T (NM_197957.4); c.268+544C>T (NM_001407095.1, NM_145112.3); c.295+544C>T (NM_001407094.1); c.187+544C>T (NM_001407098.1).
Identifiers: ClinVar variation 3061471 (VCV003061471.2), dbSNP rs368362953, ClinGen allele CA614436536.

ClinVar aggregate classification (germline): Likely benign (0 of 4 stars; one submission).

Conditions:
MAX-related disorder. Also called: MAX-related condition.

Allele frequency attached by ClinVar (database versions not stated): gnomAD exomes below 0.00001.
gnomAD v4.1: 1 of 1,613,138 alleles (0.000062%); highest among the groups gnomAD compares: African/African-American, 0.0013%; no homozygotes.

Submission:

PreventionGenetics, part of Exact Sciences
Classification: Likely benign for MAX-related condition. Last evaluated: 2022-01-10. Review status: no assertion criteria provided. Collection method: clinical testing. Allele origin: germline.
Comment: This variant is classified as likely benign based on ACMG/AMP sequence variant interpretation guidelines (Richards et al. 2015 PMID: 25741868, with internal and published modifications).